The following is an entry in ClinVar:

ClinVar aggregate classification (germline): Conflicting classifications of pathogenicity. Review status: criteria provided, conflicting classifications (1 of 4 stars). 3 submissions from 3 submitters: Uncertain significance (2); Likely benign (1). Last evaluated 2025-07-31.

Conditions:
Von Hippel-Lindau syndrome (VHLS). Also called: Von Hippel-Lindau; von Hippel–Lindau syndrome; VHL syndrome. Identifiers: Orphanet 892, MedGen C0019562, MONDO:0008667, OMIM 193300. Disease mechanism: loss of function.
Chuvash polycythemia. Also called: POLYCYTHEMIA, VHL-DEPENDENT. Identifiers: Orphanet 238557, MedGen C1837915, MONDO:0009892, OMIM 263400.
Hereditary cancer-predisposing syndrome. Also called: Hereditary Cancer Syndrome; Hereditary neoplastic syndrome; Tumor predisposition; Neoplastic Syndromes, Hereditary. Identifiers: Orphanet 140162, MedGen C0027672, MeSH D009386, MONDO:0015356.

Submissions (3):

Color Diagnostics, LLC DBA Color Health
Classification: Uncertain significance for Von Hippel-Lindau syndrome. Last evaluated: 2025-07-31. Review status: criteria provided, single submitter. Criteria: ACMG Guidelines, 2015. Collection method: clinical testing. Allele origin: germline.
Comment: This missense variant replaces proline with threonine at codon 97 of the VHL protein. Computational prediction is inconclusive regarding the impact of this variant on protein structure and function. A functional study has reported that this variant does not impact VHL in a haploid cell fitness assay (PMID: 38969834). This variant has not been reported in individuals affected with VHL-related disorders in the literature. This variant has not been identified in the general population by the Genome Aggregation Database (gnomAD). The available evidence is insufficient to determine the role of this variant in disease conclusively. Therefore, this variant is classified as a Variant of Uncertain Significance.

Ambry Genetics
Classification: Likely benign for Hereditary cancer-predisposing syndrome. Last evaluated: 2025-01-15. Review status: criteria provided, single submitter. Criteria: Ambry Variant Classification Scheme 2023. Collection method: clinical testing. Allele origin: germline.

Labcorp Genetics (formerly Invitae), Labcorp
Classification: Uncertain significance for Von Hippel-Lindau syndrome; Chuvash polycythemia. Last evaluated: 2017-03-12. Review status: criteria provided, single submitter. Criteria: Invitae Variant Classification Sherloc (09022015). Collection method: clinical testing. Allele origin: germline.
Comment: This sequence change replaces proline with threonine at codon 97 of the VHL protein (p.Pro97Thr). The proline residue is moderately conserved and there is a small physicochemical difference between proline and threonine. This variant is not present in population databases (ExAC no frequency) and has not been reported in the literature in individuals with a VHL-related disease. Algorithms developed to predict the effect of missense changes on protein structure and function (SIFT, PolyPhen-2, Align-GVGD) all suggest that this variant is likely to be tolerated, but these predictions have not been confirmed by published functional studies. In summary, this variant is a novel missense change that is not predicted to affect protein function. There is no indication that it causes disease, but the available evidence is currently insufficient to prove that conclusively. Therefore, it has been classified as a Variant of Uncertain Significance.

Literature cited by the submitters: PubMed 38969834 (cited by Color Diagnostics, LLC DBA Color Health and Ambry Genetics).

NM_000551.4(VHL):c.289C>A (p.Pro97Thr)

Gene: VHL (von Hippel-Lindau tumor suppressor; plus strand). Cytogenetic location: 3p25.3.
Variant type: single nucleotide variant.
Coding change: c.289C>A on transcript NM_000551.4 (MANE Select); coding-DNA position 289, C replaced by A.
Protein change: p.Pro97Thr; replaces proline 97 with threonine.
Molecular consequence: missense variant.
Genome position (GRCh38, 1-based): chr3:10,142,136, C>A. VCF-style: chr3-10142136-C-A. GRCh37 (hg19) VCF-style: chr3-10183820-C-A.
Other names: c.289C>A, p.Pro97Thr (NM_001354723.2, NM_198156.3); short protein forms P97T.
Identifiers: ClinVar variation 456579 (VCV000456579.11), dbSNP rs863224688, ClinGen allele CA351750843.